The following is an entry in ClinVar:

ClinVar aggregate classification (germline): Uncertain significance. Review status: criteria provided, single submitter (1 of 4 stars). 2 submissions from 2 submitters: Uncertain significance (1). 1 of the submissions does not count toward it. Last evaluated 2023-08-02.

Conditions:
Inborn genetic diseases. Identifiers: MedGen C0950123, MeSH D030342.
PCNT-related disorder. Also called: PCNT-related condition.

Allele frequency attached by ClinVar (database versions not stated): gnomAD exomes below 0.00001; gnomAD 0.00001.
gnomAD v4.1: 2 of 1,613,710 alleles (0.00012%); highest among the groups gnomAD compares: Admixed American, 0.0033%; no homozygotes.

Submissions (2):

Ambry Genetics
Classification: Uncertain significance for Inborn genetic diseases. Last evaluated: 2023-08-02. Review status: criteria provided, single submitter. Criteria: Ambry Variant Classification Scheme 2023. Collection method: clinical testing. Allele origin: germline.

PreventionGenetics, part of Exact Sciences
Classification: Uncertain significance for PCNT-related condition. Last evaluated: 2024-05-30. Review status: no assertion criteria provided. Collection method: clinical testing. Allele origin: germline. Not counted in ClinVar's aggregate classification.
Comment: The PCNT c.7432G>C variant is predicted to result in the amino acid substitution p.Gly2478Arg. To our knowledge, this variant has not been reported in the literature. This variant is reported in 0.0056% of alleles in individuals of Latino descent in gnomAD. At this time, the clinical significance of this variant is uncertain due to the absence of conclusive functional and genetic evidence.

NM_006031.6(PCNT):c.7432G>C (p.Gly2478Arg)

Gene: PCNT (pericentrin; plus strand). Cytogenetic location: 21q22.3.
Variant type: single nucleotide variant.
Coding change: c.7432G>C on transcript NM_006031.6 (MANE Select); coding-DNA position 7432, G replaced by C.
Protein change: p.Gly2478Arg; replaces glycine 2478 with arginine.
Molecular consequence: missense variant.
Genome position (GRCh38, 1-based): chr21:46,427,733, G>C. VCF-style: chr21-46427733-G-C. GRCh37 (hg19) VCF-style: chr21-47847647-G-C.
Other names: c.7078G>C, p.Gly2360Arg (NM_001315529.2); short protein forms G2360R, G2478R.
Identifiers: ClinVar variation 2615604 (VCV002615604.3), dbSNP rs1400871079, ClinGen allele CA410568858.